The following is an entry in ClinVar:

NM_000195.5(HPS1):c.1531C>A (p.Arg511=)

Gene: HPS1 (HPS1 biogenesis of lysosomal organelles complex 3 subunit 1; minus strand). Cytogenetic location: 10q24.2.
Variant type: single nucleotide variant.
Coding change: c.1531C>A on transcript NM_000195.5 (MANE Select); coding-DNA position 1531, C replaced by A.
Protein change: p.Arg511=; no amino-acid change (arginine 511 retained).
Molecular consequence: synonymous variant.
Genome position (GRCh38, 1-based): chr10:98,423,754, G>T on the plus strand (C>A on the coding strand, the complement: HPS1 is on the minus strand). VCF-style: chr10-98423754-G-T. GRCh37 (hg19) VCF-style: chr10-100183511-G-T.
Other names: p.Arg511=; c.559C>A, p.Arg187= (NM_001311345.2, NM_001322487.2, NM_001322489.2); c.1531C>A, p.Arg511= (NM_001322476.2, NM_001322477.2); c.1432C>A, p.Arg478= (NM_001322478.2, NM_001322479.2); c.1270C>A, p.Arg424= (NM_001322480.2, NM_001322481.2); c.1171C>A, p.Arg391= (NM_001322482.2); c.1162C>A, p.Arg388= (NM_001322483.2, NM_001322484.2); c.1063C>A, p.Arg355= (NM_001322485.2).
Identifiers: ClinVar variation 211147 (VCV000211147.22), dbSNP rs147748659, ClinGen allele CA209767.

ClinVar aggregate classification (germline): Conflicting classifications of pathogenicity. Review status: criteria provided, conflicting classifications (1 of 4 stars). 6 submissions from 6 submitters: Uncertain significance (2); Likely benign (3). 1 of the submissions does not count toward it. Last evaluated 2026-01-20.

Conditions:
Hermansky-Pudlak syndrome (HPS). Also called: ALBINISM WITH HEMORRHAGIC DIATHESIS AND PIGMENTED RETICULOENDOTHELIAL CELLS. Identifiers: Orphanet 79430, MedGen C0079504, MONDO:0019312.
Hermansky-Pudlak syndrome 1 (HPS1). Also called: DELTA STORAGE POOL DISEASE. Identifiers: Orphanet 231500, Orphanet 79430, MedGen C2931875, MONDO:0008748, OMIM 203300.

Allele frequency attached by ClinVar (database versions not stated): TOPMed 0.00094; ESP Exome Variant Server 0.00100; 1000 Genomes Project 30x 0.00109; 1000 Genomes Project 0.00120.

Submissions (6):

Labcorp Genetics (formerly Invitae), Labcorp
Classification: Likely benign. Last evaluated: 2026-01-20. Review status: criteria provided, single submitter. Criteria: Invitae Variant Classification Sherloc (09022015). Collection method: clinical testing. Allele origin: germline.

Mayo Clinic Laboratories, Mayo Clinic
Classification: Likely benign. Last evaluated: 2025-07-29. Review status: criteria provided, single submitter. Criteria: ACMG Guidelines, 2015. Collection method: clinical testing. Allele origin: germline. Observed: 1 variant allele.
Comment: BS1, BP4, BP7

Blueprint Genetics
Classification: Likely benign. Last evaluated: 2024-10-15. Review status: criteria provided, single submitter. Criteria: ACMG Guidelines, 2015. Collection method: clinical testing. Allele origin: germline.

Illumina Laboratory Services, Illumina
Classification: Uncertain significance for Hermansky-Pudlak syndrome 1. Last evaluated: 2018-01-13. Review status: criteria provided, single submitter. Criteria: ICSL Variant Classification Criteria 13 December 2019. Collection method: clinical testing. Allele origin: germline.

Genetic Services Laboratory, University of Chicago
Classification: Uncertain significance. Last evaluated: 2015-01-14. Review status: criteria provided, single submitter. Criteria: ACMG Guidelines, 2015. Collection method: clinical testing. Allele origin: germline.

Natera, Inc.
Classification: Likely benign for Hermansky-Pudlak syndrome. Last evaluated: 2020-04-10. Review status: no assertion criteria provided. Collection method: clinical testing. Allele origin: germline. Not counted in ClinVar's aggregate classification.